The following is an entry in ClinVar:

ClinVar aggregate classification (germline): Uncertain significance. Review status: criteria provided, multiple submitters, no conflicts (2 of 4 stars). 2 submissions from 2 submitters: Uncertain significance (2). Last evaluated 2024-06-12.

Conditions:
Currarino triad. Identifiers: Orphanet 1552, MedGen C1531773, MONDO:0008305, OMIM 176450.

gnomAD v4.1: 1 of 1,602,804 alleles (0.000062%); highest among the groups gnomAD compares: African/African-American, 0.0013%; no homozygotes.

Submissions (2):

Fulgent Genetics
Classification: Uncertain significance for Currarino triad. Last evaluated: 2024-06-12. Review status: criteria provided, single submitter. Criteria: ACMG Guidelines, 2015. Collection method: clinical testing. Allele origin: germline.

Labcorp Genetics (formerly Invitae), Labcorp
Classification: Uncertain significance. Last evaluated: 2024-02-02. Review status: criteria provided, single submitter. Criteria: Invitae Variant Classification Sherloc (09022015). Collection method: clinical testing. Allele origin: germline.
Comment: This sequence change replaces arginine, which is basic and polar, with glutamine, which is neutral and polar, at codon 243 of the MNX1 protein (p.Arg243Gln). The frequency data for this variant in the population databases is considered unreliable, as metrics indicate poor data quality at this position in the gnomAD database. This variant has not been reported in the literature in individuals affected with MNX1-related conditions. Advanced modeling of protein sequence and biophysical properties (such as structural, functional, and spatial information, amino acid conservation, physicochemical variation, residue mobility, and thermodynamic stability) performed at Invitae indicates that this missense variant is expected to disrupt MNX1 protein function with a positive predictive value of 80%. In summary, the available evidence is currently insufficient to determine the role of this variant in disease. Therefore, it has been classified as a Variant of Uncertain Significance.

NM_005515.4(MNX1):c.728G>A (p.Arg243Gln)

Genes: MNX1-AS2 (MNX1 antisense RNA 2; plus strand), MNX1 (motor neuron and pancreas homeobox 1; minus strand). Cytogenetic location: 7q36.3.
Variant type: single nucleotide variant.
Coding change: c.728G>A on transcript NM_005515.4 (MANE Select); coding-DNA position 728, G replaced by A.
Protein change: p.Arg243Gln; replaces arginine 243 with glutamine.
Molecular consequence: missense variant.
Genome position (GRCh38, 1-based): chr7:157,006,603, C>T on the plus strand (G>A on the coding strand, the complement: MNX1 is on the minus strand). VCF-style: chr7-157006603-C-T. GRCh37 (hg19) VCF-style: chr7-156799297-C-T.
Other names: c.92G>A, p.Arg31Gln (NM_001165255.2); short protein forms R31Q, R243Q.
Identifiers: ClinVar variation 3594455 (VCV003594455.3).
Genomic context (GRCh38, chr7:157,006,603, plus strand): 5'-TTGAGCTTGAACTGGTGCTCCAGCTCCAGCAGCTGCTGGCTGGTGAAGGCGGTGCGCGGC[C>T]GGCGGCACTTCCCCAGGAGGTTCGACTGCGCCTGGGCTGGGGACCAAAGGGCAGTGAGGC-3'
Protein context (NP_005506.3, residues 233-253): AQSNLLGKCR[Arg243Gln]PRTAFTSQQL